The following is an entry in ClinVar:

ClinVar aggregate classification (germline): Uncertain significance (1 of 4 stars; one submission).

Conditions:
Autosomal recessive nonsyndromic hearing loss 89. Also called: Deafness, autosomal recessive 89. Identifiers: Orphanet 90636, MedGen C3151351, MONDO:0013489, OMIM 613916.
Leukoencephalopathy, progressive, infantile-onset, with or without deafness. Identifiers: MedGen C5542996, MONDO:0030893, OMIM 619147.

Allele frequency attached by ClinVar (database versions not stated): gnomAD exomes below 0.00001; ExAC 0.00001.
gnomAD v4.1: 1 of 1,613,440 alleles (0.000062%); highest among the groups gnomAD compares: South Asian, 0.0011%; no homozygotes.

Submission:

Diagnostics Services (NGS), CSIR - Centre For Cellular And Molecular Biology
Classification: Uncertain significance for Leukoencephalopathy, progressive, infantile-onset, with or without deafness; Autosomal recessive nonsyndromic hearing loss 89. Last evaluated: 2022-05-02. Review status: criteria provided, single submitter. Criteria: ACMG Guidelines, 2015. Collection method: clinical testing. Allele origin: unknown. Affected: no. Observed: 1 heterozygote.
Comment: The c.505A>C variant is not present in publicly available population databases like, 1000 Genomes, EVS and Indian Exome Database. The heterozygous state of the variant is present in ExAC and gnomAD, at a low frequency. The variant is not present in our in-house exome database. The variant was not previously reported to Clinvar, HGMD and/or OMIM database, in any affected individuals. In-silico pathogenicity prediction programs like SIFT, PolyPhen-2, MutationTaster2, CADD etc. predicted this variant to be likely disease causing, however these predictions were not confirmed by any published functional studies.

NM_005548.3(KARS1):c.421A>C (p.Lys141Gln)

Gene: KARS1 (lysyl-tRNA synthetase 1; minus strand). Cytogenetic location: 16q23.1.
Variant type: single nucleotide variant.
Coding change: c.421A>C on transcript NM_005548.3 (MANE Select); coding-DNA position 421, A replaced by C.
Protein change: p.Lys141Gln; replaces lysine 141 with glutamine.
Molecular consequence: missense variant. On other transcripts: 5 prime UTR variant (1).
Genome position (GRCh38, 1-based): chr16:75,636,515, T>G on the plus strand (A>C on the coding strand, the complement: KARS1 is on the minus strand). VCF-style: chr16-75636515-T-G. GRCh37 (hg19) VCF-style: chr16-75670413-T-G.
Other names: c.505A>C, p.Lys169Gln (NM_001130089.2); c.-48A>C (NM_001378148.1); short protein forms K141Q, K169Q.
Identifiers: ClinVar variation 2574034 (VCV002574034.2), dbSNP rs761347066, ClinGen allele CA8177627.